The following is an entry in ClinVar:

NM_002617.4(PEX10):c.704dup (p.Leu236fs)

Gene: PEX10 (peroxisomal biogenesis factor 10; minus strand). Cytogenetic location: 1p36.32.
Variant type: Duplication.
Coding change: c.704dup on transcript NM_002617.4 (MANE Select); coding-DNA position 704, one base duplicated (A; older notation c.704dupA).
Protein change: p.Leu236fs; shifts the reading frame from leucine 236.
Molecular consequence: frameshift variant. On other transcripts: non-coding transcript variant (1).
Genome position (GRCh38, 1-based): chr1:2,406,792, T duplicated on the plus strand (A on the coding strand, the reverse complement: PEX10 is on the minus strand). VCF-style (leftmost placement, unchanged base first): chr1-2406791-C-CT. GRCh37 (hg19) VCF-style: chr1-2338230-C-CT.
Other names: 1 BP-INS, 704A; c.764dupA (NM_153818.1, NM_153818.2); c.761dup, p.Leu255fs (NM_001374425.1); c.329dup, p.Leu111fs (NM_001374426.1); c.272dup, p.Leu92fs (NM_001374427.1); c.764dup, p.Leu256fs (NM_153818.2); short protein forms L236fs, L256fs, L111fs, L255fs, L92fs.
Identifiers: ClinVar variation 6774 (VCV000006774.28), dbSNP rs61750435, ClinGen allele CA118509.

ClinVar aggregate classification (germline): Pathogenic. Review status: criteria provided, multiple submitters, no conflicts (2 of 4 stars). 14 submissions from 12 submitters: Pathogenic (9). 5 of the submissions do not count toward it. Last evaluated 2026-01-18.

Conditions:
PEX10-related disorder. Also called: PEX10-related condition.
Zellweger spectrum disorders (ZS). Also called: Zellweger Spectrum Disorder (ZSD); Zellweger Spectrum Disorder; Zellweger Spectrum; Zellweger syndrome. Identifiers: Orphanet 912, MedGen C0043459, MONDO:0019609.
Peroxisome biogenesis disorder 6B (PBD6B). Identifiers: Orphanet 44, MedGen C3553948, MONDO:0013937, OMIM 614871.
Peroxisome biogenesis disorder 6A (Zellweger). Also called: Peroxisome biogenesis disorder 6A. Identifiers: Orphanet 912, MedGen C3553947, MONDO:0013936, OMIM 614870.
Peroxisome biogenesis disorder, complementation group 7 (CG7). Also called: Peroxisome biogenesis disorder, complementation group B. Identifiers: MedGen C1864399.
Peroxisome biogenesis disorder. Identifiers: Orphanet 79189, MedGen C1832200, MONDO:0019234. Disease mechanism: loss of function.

Allele frequency attached by ClinVar (database versions not stated): ExAC 0.00002; gnomAD exomes 0.00002 and 0.00015; gnomAD 0.00008; TOPMed 0.00008.

Submissions (14):

Labcorp Genetics (formerly Invitae), Labcorp
Classification: Pathogenic for Peroxisome biogenesis disorder, complementation group 7. Last evaluated: 2026-01-18. Review status: criteria provided, single submitter. Criteria: Invitae Variant Classification Sherloc (09022015). Collection method: clinical testing. Allele origin: germline.
Comment: This sequence change creates a premature translational stop signal (p.Leu256Alafs*103) in the PEX10 gene. While this is not anticipated to result in nonsense mediated decay, it is expected to disrupt the last 91 amino acid(s) of the PEX10 protein. This variant is present in population databases (rs61750435, gnomAD 0.006%). This premature translational stop signal has been observed in individuals with Zellweger syndrome spectrum (PMID: 10862081, 17702006, 19105186, 20695019, 21031596). This variant is also known as c.704dupA, c.764_765insA or p.L256fsX102. ClinVar contains an entry for this variant (Variation ID: 6774). Algorithms developed to predict the effect of variants on gene product structure and function are not available or were not evaluated for this variant. Experimental studies have shown that this premature translational stop signal affects PEX10 function (PMID: 10862081, 20695019). For these reasons, this variant has been classified as Pathogenic.

Natera, Inc.
Classification: Pathogenic for Zellweger syndrome. Last evaluated: 2025-07-11. Review status: criteria provided, single submitter. Criteria: Natera Variant Classification Schema (03/2026). Collection method: clinical testing. Allele origin: germline.
Comment: The c.764dupA variant in PEX10 is a frameshift variant predicted to elongate the protein beyond the termination codon. This variant is expected to result in nonsense mediated decay, truncation, or a dysfunctional protein product. This variant is rare in the general population with a frequency below the threshold expected for the associated phenotype(s). This variant has been observed in one or more individuals affected with the associated recessive disease, as either homozygous or compound heterozygous with a second variant (PMID: 10862081). Given the available evidence, this variant is classified as Pathogenic.

GeneDx
Classification: Pathogenic. Last evaluated: 2025-05-22. Review status: criteria provided, single submitter. Criteria: GeneDx Variant Classification Process June 2021. Collection method: clinical testing. Allele origin: germline. Affected: yes.
Comment: Frameshift variant predicted to result in abnormal protein length as the last 91 amino acids are replaced with 102 different amino acids, and other similar variants have been reported in HGMD; Not observed at significant frequency in large population cohorts (gnomAD); This variant is associated with the following publications: (PMID: 21031596, 10862081, 17702006, 20695019, 40267090)

Women's Health and Genetics/Laboratory Corporation of America, LabCorp
Classification: Pathogenic for Peroxisome biogenesis disorder. Last evaluated: 2025-03-03. Review status: criteria provided, single submitter. Criteria: LabCorp Variant Classification Summary - May 2015. Collection method: clinical testing. Allele origin: germline.
Comment: Variant summary: PEX10 c.764dupA (p.Leu256AlafsX103) causes a frameshift which results in an extension of the protein. The variant allele was found at a frequency of 2.1e-05 in 242376 control chromosomes. c.764dupA has been reported in the literature in multiple individuals affected with Zellweger Syndrome. These data indicate that the variant is very likely to be associated with disease. At least one publication reports experimental evidence evaluating an impact on protein function. The most pronounced variant effect results in 30%-50% of normal activity. The following publications have been ascertained in the context of this evaluation (PMID: 21031596, 10862081, 17702006). ClinVar contains an entry for this variant (Variation ID: 6774). Based on the evidence outlined above, the variant was classified as pathogenic.

Baylor Genetics
Classification: Pathogenic for Peroxisome biogenesis disorder 6A (Zellweger). Last evaluated: 2024-03-17. Review status: criteria provided, single submitter. Criteria: ACMG Guidelines, 2015. Collection method: clinical testing. Allele origin: unknown.

Fulgent Genetics
Classification: Pathogenic for Peroxisome biogenesis disorder 6A (Zellweger); Peroxisome biogenesis disorder 6B. Last evaluated: 2024-02-06. Review status: criteria provided, single submitter. Criteria: ACMG Guidelines, 2015. Collection method: clinical testing. Allele origin: germline.

Blueprint Genetics
Classification: Pathogenic for PEX10-related disorders. Last evaluated: 2023-11-06. Review status: criteria provided, single submitter. Criteria: ACMG Guidelines, 2015. Collection method: clinical testing. Allele origin: germline. Affected: yes. Observed: 5 variant alleles.

Department of Pathology and Laboratory Medicine, Sinai Health System
Classification: Pathogenic for peroxisome biogenesis disorder. Last evaluated: 2023-04-11. Review status: criteria provided, single submitter. Criteria: ACMG Guidelines, 2015. Collection method: research. Allele origin: germline.

Eurofins Ntd Llc (ga)
Classification: Pathogenic. Last evaluated: 2017-11-29. Review status: criteria provided, single submitter. Criteria: EGL Classification Definitions 2015. Collection method: clinical testing. Allele origin: germline. Observed: 1 variant allele, 1 heterozygote.

PreventionGenetics, part of Exact Sciences
Classification: Pathogenic for PEX10-related condition. Last evaluated: 2024-06-05. Review status: no assertion criteria provided. Collection method: clinical testing. Allele origin: germline. Not counted in ClinVar's aggregate classification.
Comment: The PEX10 c.764dupA variant is predicted to result in a frameshift and premature protein termination (p.Leu256Alafs*103). This variant was found in a compound heterozygous state in three patients affected by peroxisomal biogenesis disorders (PBD) (Warren et al. 2000. PubMed ID: 10862081; Steinberg et al. 2004. PubMed ID: 15542397; Régal et al. 2010. PubMed ID: 20695019). This variant is reported in 0.0056% of alleles in individuals of European (Non-Finnish) descent in gnomAD. Frameshift variants in PEX10 are expected to be pathogenic. This variant is interpreted as pathogenic.

Counsyl
Classification: Pathogenic for Peroxisome biogenesis disorder 6A (Zellweger). Last evaluated: 2016-07-22. Review status: no assertion criteria provided. Collection method: clinical testing. Allele origin: unknown. Not counted in ClinVar's aggregate classification.

Counsyl
Classification: Pathogenic for Peroxisome biogenesis disorder 6B. Last evaluated: 2016-07-22. Review status: no assertion criteria provided. Collection method: clinical testing. Allele origin: unknown. Not counted in ClinVar's aggregate classification.

OMIM
Classification: Pathogenic for PEROXISOME BIOGENESIS DISORDER 6A (ZELLWEGER). Last evaluated: 2010-08-01. Review status: no assertion criteria provided. Collection method: literature only. Allele origin: germline. Not counted in ClinVar's aggregate classification.

OMIM
Classification: Pathogenic for PEROXISOME BIOGENESIS DISORDER 6B. Last evaluated: 2010-08-01. Review status: no assertion criteria provided. Collection method: literature only. Allele origin: germline. Not counted in ClinVar's aggregate classification.

Literature cited by the submitters: PubMed 10862081 (cited by 5 submitters); PubMed 17702006 (cited by 3 submitters); PubMed 19105186 (cited by Labcorp Genetics (formerly Invitae), Labcorp); PubMed 20695019 (cited by 3 submitters); PubMed 21031596 (cited by Labcorp Genetics (formerly Invitae), Labcorp and Women's Health and Genetics/Laboratory Corporation of America, LabCorp); PubMed 15542397 (cited by Counsyl); PubMed 9683594 (cited by OMIM).